The following is an entry in ClinVar:

ClinVar aggregate classification (germline): Uncertain significance (1 of 4 stars; one submission).

Submission:

Women's Health and Genetics/Laboratory Corporation of America, LabCorp
Classification: Uncertain significance. Last evaluated: 2024-10-03. Review status: criteria provided, single submitter. Criteria: LabCorp Variant Classification Summary - May 2015. Collection method: clinical testing. Allele origin: germline.
Comment: Variant summary: BRCA2 c.4899_4905delinsAAAAGTT (p.Phe1634_Leu1635delinsLysVal) results in an in-frame deletion-insertion that is predicted to replace 2 amino acids from the protein. The variant was absent in 1612690 control chromosomes. The available data on variant occurrences in the general population are insufficient to allow any conclusion about variant significance. To our knowledge, no occurrence of c.4899_4905delinsAAAAGTT in individuals affected with BRCA2-related conditions and no experimental evidence demonstrating its impact on protein function have been reported. No submitters have cited clinical-significance assessments for this variant to ClinVar. Based on the evidence outlined above, the variant was classified as uncertain significance.

NM_000059.4(BRCA2):c.4899_4905delinsAAAAGTT (p.Phe1634_Leu1635delinsLysVal)

Gene: BRCA2 (BRCA2 DNA repair associated; plus strand). Cytogenetic location: 13q13.1.
Variant type: Indel.
Coding change: c.4899_4905delinsAAAAGTT on transcript NM_000059.4 (MANE Select); coding-DNA positions 4899 to 4905, CTTTTTG replaced by AAAAGTT.
Protein change: p.Phe1634_Leu1635delinsLysVal.
Molecular consequence: missense variant. On other transcripts: non-coding transcript variant (1), intron variant (2).
Genome position (GRCh38, 1-based): chr13:32,339,254-32,339,260, CTTTTTG replaced by AAAAGTT. VCF-style: chr13-32339254-CTTTTTG-AAAAGTT. GRCh37 (hg19) VCF-style: chr13-32913391-CTTTTTG-AAAAGTT.
Other names: c.4899_4905delinsAAAAGTT, p.Phe1634_Leu1635delinsLysVal (NM_001406719.1, NM_001406720.1, NM_001432077.1); c.1910-5304_1910-5298delinsAAAAGTT (NM_001406721.1); c.425-5304_425-5298delinsAAAAGTT (NM_001406722.1).
Identifiers: ClinVar variation 3384957 (VCV003384957.1).